The following is an entry in ClinVar:

ClinVar aggregate classification (germline): Pathogenic/Likely pathogenic. Review status: criteria provided, multiple submitters, no conflicts (2 of 4 stars). 2 submissions from 2 submitters: Pathogenic (1); Likely pathogenic (1). Last evaluated 2023-09-12.

Conditions:
Familial cancer of breast. Also called: Hereditary breast cancer; BREAST CANCER, FAMILIAL; hereditary breast carcinoma. Identifiers: Orphanet 227535, MedGen C0346153, MONDO:0016419, OMIM 114480. Disease mechanism: loss of function.

Submissions (2):

Myriad Genetics, Inc.
Classification: Pathogenic for Familial cancer of breast. Last evaluated: 2023-09-12. Review status: criteria provided, single submitter. Criteria: Myriad Autosomal Dominant, Autosomal Recessive and X-Linked Classification Criteria (2023). Collection method: clinical testing. Allele origin: unknown.
Comment: This variant is considered pathogenic. This variant creates a frameshift predicted to result in premature protein truncation.

Baylor Genetics
Classification: Likely pathogenic for Familial cancer of breast. Last evaluated: 2022-01-01. Review status: criteria provided, single submitter. Criteria: ACMG Guidelines, 2015. Collection method: clinical testing. Allele origin: unknown.

NM_024675.4(PALB2):c.2463delinsAA (p.Asn821fs)

Gene: PALB2 (partner and localizer of BRCA2; minus strand). Cytogenetic location: 16p12.2.
Variant type: Indel.
Coding change: c.2463delinsAA on transcript NM_024675.4 (MANE Select); coding-DNA position 2463, T replaced by AA.
Protein change: p.Asn821fs; shifts the reading frame from asparagine 821.
Molecular consequence: frameshift variant. On other transcripts: intron variant (1).
Genome position (GRCh38, 1-based): chr16:23,629,691, A replaced by TT on the plus strand (T replaced by AA on the coding strand, the reverse complement: PALB2 is on the minus strand). VCF-style: chr16-23629691-A-TT. GRCh37 (hg19) VCF-style: chr16-23641012-A-TT.
Other names: c.2403delinsAA, p.Asn801fs (NM_001407296.1); c.2463delinsAA, p.Asn821fs (NM_001407297.1, NM_001407298.1, NM_001407299.1 and 3 more transcripts); c.1578delinsAA, p.Asn526fs (NM_001407304.1, NM_001407305.1, NM_001407306.1 and 5 more transcripts); c.675delinsAA, p.Asn225fs (NM_001407312.1, NM_001407313.1); c.49-416delinsAA (NM_001407314.1); short protein forms N225fs, N526fs, N801fs, N821fs.
Identifiers: ClinVar variation 2674055 (VCV002674055.2), dbSNP rs2506404426, ClinGen allele CA2695197463.
Genomic context (GRCh38, chr16:23,629,691, plus strand): 5'-GGATTGTACCTGTTCGACGGAATGTTTATGCAGCTCCTGGCATGTGTTTCTACAGAGCTG[A>TT]TTTTCTTTAAAAGTGAATGACTCAATGGGTGGAGGTGTTCCTGGCGGGACAGAGTCACAG-3'